The following is an entry in ClinVar:

ClinVar aggregate classification (germline): Uncertain significance (1 of 4 stars; one submission).

Conditions:
Emery-Dreifuss muscular dystrophy 5, autosomal dominant (EDMD5). Also called: EMERY-DREIFUSS MUSCULAR DYSTROPHY 5. Identifiers: Orphanet 261, MedGen C2751805, MONDO:0013072, OMIM 612999.

Submission:

Labcorp Genetics (formerly Invitae), Labcorp
Classification: Uncertain significance for Emery-Dreifuss muscular dystrophy 5, autosomal dominant. Last evaluated: 2024-09-30. Review status: criteria provided, single submitter. Criteria: Invitae Variant Classification Sherloc (09022015). Collection method: clinical testing. Allele origin: germline.
Comment: This sequence change replaces glutamine, which is neutral and polar, with glutamic acid, which is acidic and polar, at codon 3870 of the SYNE2 protein (p.Gln3870Glu). This variant is not present in population databases (gnomAD no frequency). This variant has not been reported in the literature in individuals affected with SYNE2-related conditions. ClinVar contains an entry for this variant (Variation ID: 2180392). An algorithm developed to predict the effect of missense changes on protein structure and function (PolyPhen-2) suggests that this variant is likely to be disruptive. In summary, the available evidence is currently insufficient to determine the role of this variant in disease. Therefore, it has been classified as a Variant of Uncertain Significance.

NM_182914.3(SYNE2):c.11608C>G (p.Gln3870Glu)

Gene: SYNE2 (spectrin repeat containing nuclear envelope protein 2; plus strand). Cytogenetic location: 14q23.2.
Variant type: single nucleotide variant.
Coding change: c.11608C>G on transcript NM_182914.3 (MANE Select); coding-DNA position 11608, C replaced by G.
Protein change: p.Gln3870Glu; replaces glutamine 3870 with glutamic acid.
Molecular consequence: missense variant.
Genome position (GRCh38, 1-based): chr14:64,087,794, C>G. VCF-style: chr14-64087794-C-G. GRCh37 (hg19) VCF-style: chr14-64554512-C-G.
Other names: c.11608C>G, p.Gln3870Glu (NM_015180.6); short protein forms Q3870E.
Identifiers: ClinVar variation 2180392 (VCV002180392.4), dbSNP rs2548701679, ClinGen allele CA389946153.